The following is an entry in ClinVar:

NM_006939.4(SOS2):c.137A>G (p.Tyr46Cys)

Gene: SOS2 (SOS Ras/Rho guanine nucleotide exchange factor 2; minus strand). Cytogenetic location: 14q21.3.
Variant type: single nucleotide variant.
Coding change: c.137A>G on transcript NM_006939.4 (MANE Select); coding-DNA position 137, A replaced by G.
Protein change: p.Tyr46Cys; replaces tyrosine 46 with cysteine.
Molecular consequence: missense variant.
Genome position (GRCh38, 1-based): chr14:50,204,360, T>C on the plus strand (A>G on the coding strand, the complement: SOS2 is on the minus strand). VCF-style: chr14-50204360-T-C. GRCh37 (hg19) VCF-style: chr14-50671078-T-C.
Other names: c.137A>G, p.Tyr46Cys (NM_001411020.1); short protein forms Y46C.
Identifiers: ClinVar variation 2083558 (VCV002083558.4), dbSNP rs1162838729, ClinGen allele CA7177603.

ClinVar aggregate classification (germline): Uncertain significance (1 of 4 stars; one submission).

Conditions:
Noonan syndrome 9 (NS9). Identifiers: Orphanet 648, MedGen C4225282, MONDO:0014691, OMIM 616559.

Allele frequency attached by ClinVar (database versions not stated): ExAC 0.00001; gnomAD exomes 0.00001; gnomAD 0.00002; TOPMed 0.00002.
gnomAD v4.1: 16 of 1,589,688 alleles (0.001%); highest among the groups gnomAD compares: Middle Eastern, 0.017%; no homozygotes.

Submission:

Labcorp Genetics (formerly Invitae), Labcorp
Classification: Uncertain significance for Noonan syndrome 9. Last evaluated: 2023-07-25. Review status: criteria provided, single submitter. Criteria: Invitae Variant Classification Sherloc (09022015). Collection method: clinical testing. Allele origin: germline.
Comment: This variant is present in population databases (no rsID available, gnomAD 0.002%). In summary, the available evidence is currently insufficient to determine the role of this variant in disease. Therefore, it has been classified as a Variant of Uncertain Significance. Advanced modeling of protein sequence and biophysical properties (such as structural, functional, and spatial information, amino acid conservation, physicochemical variation, residue mobility, and thermodynamic stability) performed at Invitae indicates that this missense variant is not expected to disrupt SOS2 protein function. ClinVar contains an entry for this variant (Variation ID: 2083558). This variant has not been reported in the literature in individuals affected with SOS2-related conditions. This sequence change replaces tyrosine, which is neutral and polar, with cysteine, which is neutral and slightly polar, at codon 46 of the SOS2 protein (p.Tyr46Cys).